The following is an entry in ClinVar:

ClinVar aggregate classification (germline): Uncertain significance (1 of 4 stars; one submission).

Conditions:
Osteogenesis imperfecta type 5 (OI5). Also called: OSTEOGENESIS IMPERFECTA, TYPE V; OI type 5; Type V OI. Identifiers: Orphanet 216828, MedGen C2931093, MONDO:0012591, OMIM 610967.

Submission:

Dasa
Classification: Uncertain significance for Osteogenesis imperfecta type 5. Last evaluated: 2025-11-12. Review status: criteria provided, single submitter. Criteria: DASA Assertion Criteria. Collection method: clinical testing. Allele origin: germline.
Comment: NM_001025295.3(IFITM5):c.125_126insGA (p.Phe42Leufs*7) is a frameshift variant in IFITM5 predicted to alter the reading frame and introduce a premature termination codon. This variant is absent from population databases. The currently available literature and clinical evidence are not sufficient to establish a definitive association between this variant and the reported condition. Therefore, this variant is classified as a variant of uncertain significance.

NM_001025295.3(IFITM5):c.125_126insGA (p.Phe42fs)

Gene: IFITM5 (interferon induced transmembrane protein 5; minus strand). Cytogenetic location: 11p15.5.
Variant type: Insertion.
Coding change: c.125_126insGA on transcript NM_001025295.3 (MANE Select); coding-DNA positions 125 to 126, GA inserted.
Protein change: p.Phe42fs; shifts the reading frame from phenylalanine 42.
Molecular consequence: frameshift variant.
Genome position: GRCh38 VCF-style: chr11-299365-G-GTC. GRCh37 (hg19) VCF-style: chr11-299365-G-GTC.
Other names: short protein forms F42fs.
Identifiers: ClinVar variation 4883904 (VCV004883904.2).